The following is an entry in ClinVar:

NM_031262.4(HNRNPK):c.-108+1G>A

Genes: HNRNPK (heterogeneous nuclear ribonucleoprotein K; minus strand), RMI1 (RecQ mediated genome instability 1; plus strand). Cytogenetic location: 9q21.32.
Variant type: single nucleotide variant.
Coding change: c.-108+1G>A on transcript NM_031262.4; the canonical splice donor site of the intron after 108 bases upstream of the start codon, G replaced by A.
Molecular consequence: splice donor variant. On other transcripts: 5 prime UTR variant (1).
Genome position (GRCh38, 1-based): chr9:83,980,502, C>T on the plus strand (G>A on the coding strand, the complement: HNRNPK is on the minus strand). VCF-style: chr9-83980502-C-T. GRCh37 (hg19) VCF-style: chr9-86595417-C-T.
Other names: c.-167C>T (NM_001358294.2); c.-108+1G>A (NM_002140.5).
Identifiers: ClinVar variation 4857457 (VCV004857457.1).
Genomic context (GRCh38, chr9:83,980,502, plus strand): 5'-TTCAGGGAGCCCCAACCCTTACCCGAATCAGCAATACCCAAGCTCCAATAACTCCAATTA[C>T]CTATAGGCCGCGAACAAGTGGGACACAGGCAAGACGTCGAGGTCGGTGCAGCAGAGAAAC-3'

ClinVar aggregate classification (germline): Uncertain significance (1 of 4 stars; one submission).

Conditions:
Au-Kline syndrome. Also called: Neurodevelopmental disorder-craniofacial dysmorphism-cardiac defect-hip dysplasia syndrome due to a point mutation; Okamoto syndrome. Identifiers: Orphanet 2729, Orphanet 453499, Orphanet 453504, MedGen C4225274, MONDO:0014700, OMIM 616580.

Submission:

Institute of Human Genetics, University of Leipzig Medical Center
Classification: Uncertain significance for Au-Kline syndrome. Last evaluated: 2026-05-19. Review status: criteria provided, single submitter. Criteria: ACMG Guidelines, 2015. Collection method: clinical testing. Allele origin: unknown. Inheritance: Autosomal dominant inheritance. Affected: yes.
Comment: Criteria applied: PM2,PP3